The following is an entry in ClinVar:

ClinVar aggregate classification (germline): Uncertain significance. Review status: criteria provided, multiple submitters, no conflicts (2 of 4 stars). 3 submissions from 3 submitters: Uncertain significance (3). Last evaluated 2026-08-12.

Conditions:
Inborn genetic diseases. Identifiers: MedGen C0950123, MeSH D030342.

gnomAD v4.1: 11 of 1,612,924 alleles (0.00068%); highest among the groups gnomAD compares: Non-Finnish European, 0.00093%; no homozygotes.

Submissions (3):

Ambry Genetics
Classification: Uncertain significance for Inborn genetic diseases. Last evaluated: 2026-08-12. Review status: criteria provided, single submitter. Criteria: Ambry Variant Classification Scheme 2023. Collection method: clinical testing. Allele origin: germline.

CeGaT Center for Human Genetics Tuebingen
Classification: Uncertain significance. Last evaluated: 2026-08-01. Review status: criteria provided, single submitter. Criteria: CeGaT Center For Human Genetics Tuebingen Variant Classification Criteria Version 2. Collection method: clinical testing. Allele origin: germline. Affected: yes. Observed: 1 variant allele.

Labcorp Genetics (formerly Invitae), Labcorp
Classification: Uncertain significance. Last evaluated: 2025-11-08. Review status: criteria provided, single submitter. Criteria: Invitae Variant Classification Sherloc (09022015). Collection method: clinical testing. Allele origin: germline.
Comment: This sequence change replaces isoleucine, which is neutral and non-polar, with valine, which is neutral and non-polar, at codon 1501 of the COL11A2 protein (p.Ile1501Val). This variant is present in population databases (rs770594261, gnomAD 0.0009%). This variant has not been reported in the literature in individuals affected with COL11A2-related conditions. ClinVar contains an entry for this variant (Variation ID: 3705294). Invitae Evidence Modeling of protein sequence and biophysical properties (such as structural, functional, and spatial information, amino acid conservation, physicochemical variation, residue mobility, and thermodynamic stability) indicates that this missense variant is not expected to disrupt COL11A2 protein function with a negative predictive value of 95%. In summary, the available evidence is currently insufficient to determine the role of this variant in disease. Therefore, it has been classified as a Variant of Uncertain Significance.

NM_080680.3(COL11A2):c.4501A>G (p.Ile1501Val)

Gene: COL11A2 (collagen type XI alpha 2 chain; minus strand). Cytogenetic location: 6p21.32.
Variant type: single nucleotide variant.
Coding change: c.4501A>G on transcript NM_080680.3 (MANE Select); coding-DNA position 4501, A replaced by G.
Protein change: p.Ile1501Val; replaces isoleucine 1501 with valine.
Molecular consequence: missense variant.
Genome position (GRCh38, 1-based): chr6:33,165,798, T>C on the plus strand (A>G on the coding strand, the complement: COL11A2 is on the minus strand). VCF-style: chr6-33165798-T-C. GRCh37 (hg19) VCF-style: chr6-33133575-T-C.
Other names: c.4501A>G (NM_080680.2); c.4321A>G, p.Ile1441Val (NM_001424108.1); c.3655A>G, p.Ile1219Val (NM_001424109.1); c.3475A>G, p.Ile1159Val (NM_001424110.1, NM_001424111.1); c.2455A>G, p.Ile819Val (NM_001424112.1); c.4180A>G, p.Ile1394Val (NM_080679.3); c.4243A>G, p.Ile1415Val (NM_080681.3); short protein forms I1501V, I1394V, I1159V, I1219V, I1415V, I1441V, I819V.
Identifiers: ClinVar variation 3705294 (VCV003705294.4).
Genomic context (GRCh38, chr6:33,165,798, plus strand): 5'-GACGGCTTCCATCCACCGAGCGCCGAGTCTTCTTGGGCATCTGAATGGGCAGTGGCTGGA[T>C]CACCTCGCCTGGGGGACCCTGGGTGCAGGGACAGATGGAGAGGGCAAGAGACAAGGTTGG-3'
Protein context (NP_542411.2, residues 1491-1511): PGHPGPPGEV[Ile1501Val]QPLPIQMPKK